The following is an entry in ClinVar:

ClinVar aggregate classification (germline): Uncertain significance. Review status: criteria provided, multiple submitters, no conflicts (2 of 4 stars). 2 submissions from 2 submitters: Uncertain significance (2). Last evaluated 2023-10-17.

Conditions:
Retinitis pigmentosa 43 (RP43). Identifiers: Orphanet 791, MedGen C3151139, MONDO:0013437, OMIM 613810.

Allele frequency attached by ClinVar (database versions not stated): gnomAD exomes below 0.00001.

Submissions (2):

Blueprint Genetics
Classification: Uncertain significance. Last evaluated: 2023-10-17. Review status: criteria provided, single submitter. Criteria: ACMG Guidelines, 2015. Collection method: clinical testing. Allele origin: germline.

Institute of Human Genetics, University of Goettingen
Classification: Uncertain significance for Retinitis pigmentosa 43. Last evaluated: 2023-09-01. Review status: criteria provided, single submitter. Criteria: ACMG Guidelines, 2015. Collection method: clinical testing. Allele origin: unknown. Inheritance: Autosomal recessive inheritance. Observed: 1 heterozygote.
Comment: The variant c.127G>A (p.(Ala43Thr)) in exon 1 of the PDE6A-gene is not found in the gnomAD database, it affects a weakly conserved nucleotide and a moderately conserved amino acid and there is a small physicochemical difference between Ala and Thr. This variant has a bengn computational verdict based on in silico prediction algorithms. ACMG criteria used for classification: PM2_supp, BP4.

NM_000440.3(PDE6A):c.127G>A (p.Ala43Thr)

Gene: PDE6A (phosphodiesterase 6A; minus strand). Cytogenetic location: 5q32.
Variant type: single nucleotide variant.
Coding change: c.127G>A on transcript NM_000440.3 (MANE Select); coding-DNA position 127, G replaced by A.
Protein change: p.Ala43Thr; replaces alanine 43 with threonine.
Molecular consequence: missense variant.
Genome position (GRCh38, 1-based): chr5:149,944,547, C>T on the plus strand (G>A on the coding strand, the complement: PDE6A is on the minus strand). VCF-style: chr5-149944547-C-T. GRCh37 (hg19) VCF-style: chr5-149324110-C-T.
Other names: c.127G>A, p.Ala43Thr (NM_001410788.1); short protein forms A43T.
Identifiers: ClinVar variation 2578335 (VCV002578335.3), dbSNP rs2480712704, ClinGen allele CA361701306.